The following is an entry in ClinVar:

NM_024577.4(SH3TC2):c.1005del (p.Ser335fs)

Gene: SH3TC2 (SH3 domain and tetratricopeptide repeats 2; minus strand). Cytogenetic location: 5q32.
Variant type: Deletion.
Coding change: c.1005del on transcript NM_024577.4 (MANE Select); coding-DNA position 1005, one base deleted (C; older notation c.1005delC).
Protein change: p.Ser335fs; shifts the reading frame from serine 335.
Molecular consequence: frameshift variant.
Genome position (GRCh38, 1-based): chr5:149,031,684, G deleted on the plus strand (C on the coding strand, the reverse complement: SH3TC2 is on the minus strand). VCF-style (leftmost placement, unchanged base first): chr5-149031683-TG-T. GRCh37 (hg19) VCF-style: chr5-148411246-TG-T.
Other names: short protein forms S335fs.
Identifiers: ClinVar variation 1454168 (VCV001454168.6), dbSNP rs2127398588, ClinGen allele CA2573139263.
Genomic context (GRCh38, chr5:149,031,683, plus strand): 5'-TATCACTTCCCAGGGCCAACAGGGAGCATCTCTCCTCATCACTGAGAAAGGCAGAGTTCC[TG>T]CTCCTGCATCGGGGCAAAAAACACAGAGACAGATTACTGCAAGGCTTCAGACTCCATCTC-3'

ClinVar aggregate classification (germline): Pathogenic (1 of 4 stars; one submission).

Conditions:
Charcot-Marie-Tooth disease type 4. Also called: Charcot-Marie-Tooth disease, type IV; Charcot-Marie-Tooth, Type 4. Identifiers: Orphanet 64749, MedGen C4082197, MONDO:0018995.

Submission:

Labcorp Genetics (formerly Invitae), Labcorp
Classification: Pathogenic for Charcot-Marie-Tooth disease type 4. Last evaluated: 2025-03-07. Review status: criteria provided, single submitter. Criteria: Invitae Variant Classification Sherloc (09022015). Collection method: clinical testing. Allele origin: germline.
Comment: This sequence change creates a premature translational stop signal (p.Ser335Argfs*57) in the SH3TC2 gene. It is expected to result in an absent or disrupted protein product. Loss-of-function variants in SH3TC2 are known to be pathogenic (PMID: 20220177, 27068304). This variant is not present in population databases (gnomAD no frequency). This variant has not been reported in the literature in individuals affected with SH3TC2-related conditions. ClinVar contains an entry for this variant (Variation ID: 1454168). For these reasons, this variant has been classified as Pathogenic.

Literature cited by the submitters: PubMed 20220177; PubMed 27068304.